The following is an entry in ClinVar:

NM_001042472.3(ABHD12):c.444G>C (p.Trp148Cys)

Gene: ABHD12 (abhydrolase domain containing 12, lysophospholipase; minus strand). Cytogenetic location: 20p11.21.
Variant type: single nucleotide variant.
Coding change: c.444G>C on transcript NM_001042472.3 (MANE Select); coding-DNA position 444, G replaced by C.
Protein change: p.Trp148Cys; replaces tryptophan 148 with cysteine.
Molecular consequence: missense variant.
Genome position (GRCh38, 1-based): chr20:25,320,297, C>G on the plus strand (G>C on the coding strand, the complement: ABHD12 is on the minus strand). VCF-style: chr20-25320297-C-G. GRCh37 (hg19) VCF-style: chr20-25300933-C-G.
Other names: c.444G>C, p.Trp148Cys (NM_015600.5); short protein forms W148C.
Identifiers: ClinVar variation 4997514 (VCV004997514.1).

ClinVar aggregate classification (germline): Uncertain significance (1 of 4 stars; one submission).

Conditions:
ABHD12-related disorder. Also called: ABHD12-related condition.

Submission:

PreventionGenetics, part of Exact Sciences
Classification: Uncertain significance for ABHD12-related condition. Last evaluated: 2026-03-31. Review status: criteria provided, single submitter. Criteria: ACMG Guidelines, 2015. Collection method: clinical testing. Allele origin: germline.
Comment: The ABHD12 c.444G>C variant is predicted to result in the amino acid substitution p.Trp148Cys. To our knowledge, this variant has not been reported in the literature or in a large population database (gnomAD), indicating this variant is rare. At this time, the clinical significance of this variant is uncertain due to the absence of conclusive functional and genetic evidence.